The following is an entry in ClinVar:

ClinVar aggregate classification (germline): Uncertain significance (1 of 4 stars; one submission).

Conditions:
Microcephaly, normal intelligence and immunodeficiency (NBS). Also called: BERLIN BREAKAGE SYNDROME; Nijmegen breakage syndrome; Microcephaly with normal intelligence immunodeficiency and lymphoreticular malignancies; Nonsyndromal microcephaly autosomal recessive with normal intelligence; Seemanova syndrome 2; SEEMANOVA SYNDROME II. Identifiers: Orphanet 647, MedGen C0398791, MONDO:0009623, OMIM 251260.

Submission:

Labcorp Genetics (formerly Invitae), Labcorp
Classification: Uncertain significance for Microcephaly, normal intelligence and immunodeficiency. Last evaluated: 2021-12-18. Review status: criteria provided, single submitter. Criteria: Invitae Variant Classification Sherloc (09022015). Collection method: clinical testing. Allele origin: germline.
Comment: This variant has not been reported in the literature in individuals affected with NBN-related conditions. In summary, the available evidence is currently insufficient to determine the role of this variant in disease. Therefore, it has been classified as a Variant of Uncertain Significance. Algorithms developed to predict the effect of missense changes on protein structure and function are either unavailable or do not agree on the potential impact of this missense change (SIFT: "Tolerated"; PolyPhen-2: "Probably Damaging"; Align-GVGD: "Class C0"). ClinVar contains an entry for this variant (Variation ID: 652733). This variant is not present in population databases (gnomAD no frequency). This sequence change replaces glutamine, which is neutral and polar, with histidine, which is basic and polar, at codon 451 of the NBN protein (p.Gln451His).

NM_002485.5(NBN):c.1353G>C (p.Gln451His)

Gene: NBN (nibrin; minus strand). Cytogenetic location: 8q21.3.
Variant type: single nucleotide variant.
Coding change: c.1353G>C on transcript NM_002485.5 (MANE Select); coding-DNA position 1353, G replaced by C.
Protein change: p.Gln451His; replaces glutamine 451 with histidine.
Molecular consequence: missense variant.
Genome position (GRCh38, 1-based): chr8:89,955,327, C>G on the plus strand (G>C on the coding strand, the complement: NBN is on the minus strand). VCF-style: chr8-89955327-C-G. GRCh37 (hg19) VCF-style: chr8-90967555-C-G.
Other names: c.1107G>C, p.Gln369His (NM_001024688.3); short protein forms Q369H, Q451H.
Identifiers: ClinVar variation 652733 (VCV000652733.6), dbSNP rs1554559063, ClinGen allele CA371656046.